The following is an entry in ClinVar:

ClinVar aggregate classification (germline): Pathogenic (1 of 4 stars; one submission).

Submission:

Labcorp Genetics (formerly Invitae), Labcorp
Classification: Pathogenic. Last evaluated: 2022-07-22. Review status: criteria provided, single submitter. Criteria: Invitae Variant Classification Sherloc (09022015). Collection method: clinical testing. Allele origin: germline.
Comment: For these reasons, this variant has been classified as Pathogenic. This variant has not been reported in the literature in individuals affected with SBF1-related conditions. This variant is not present in population databases (gnomAD no frequency). This sequence change creates a premature translational stop signal (p.Trp1701*) in the SBF1 gene. It is expected to result in an absent or disrupted protein product. Loss-of-function variants in SBF1 are known to be pathogenic (PMID: 28005197, 28902413).

Literature cited by the submitters: PubMed 28005197; PubMed 28902413.

NM_002972.4(SBF1):c.5102G>A (p.Trp1701Ter)

Gene: SBF1 (SET binding factor 1; minus strand). Cytogenetic location: 22q13.33.
Variant type: single nucleotide variant.
Coding change: c.5102G>A on transcript NM_002972.4 (MANE Select); coding-DNA position 5102, G replaced by A.
Protein change: p.Trp1701Ter; replaces tryptophan 1701 with a stop codon.
Molecular consequence: nonsense.
Genome position (GRCh38, 1-based): chr22:50,448,592, C>T on the plus strand (G>A on the coding strand, the complement: SBF1 is on the minus strand). VCF-style: chr22-50448592-C-T. GRCh37 (hg19) VCF-style: chr22-50887021-C-T.
Other names: c.5027G>A, p.Trp1676Ter (NM_001365819.1); c.5105G>A, p.Trp1702Ter (NM_001410794.1); c.5024G>A, p.Trp1675Ter (NM_001410795.1); c.5102G>A, p.Trp1701Ter (NM_197971.1); short protein forms W1675*, W1702*, W1676*, W1701*.
Identifiers: ClinVar variation 2018999 (VCV002018999.4), dbSNP rs1556416876, ClinGen allele CA412187898.
Genomic context (GRCh38, chr22:50,448,592, plus strand): 5'-CCCTCACTCACACGGCCGTCTGGCCGGCCCTCGAGGCGCTGTGCAGCCTTCACCCGGTCC[C>T]AGGTGTCCTTCCAGCGCTCAGCGGGTTGGCCCAACTCTGTCTCCAGCCTCTGCAGCTCCT-3'